The following is an entry in ClinVar:

NM_032444.4(SLX4):c.5080G>A (p.Ala1694Thr)

Gene: SLX4 (SLX4 structure-specific endonuclease subunit; minus strand). Cytogenetic location: 16p13.3.
Variant type: single nucleotide variant.
Coding change: c.5080G>A on transcript NM_032444.4 (MANE Select); coding-DNA position 5080, G replaced by A.
Protein change: p.Ala1694Thr; replaces alanine 1694 with threonine.
Molecular consequence: missense variant.
Genome position (GRCh38, 1-based): chr16:3,583,170, C>T on the plus strand (G>A on the coding strand, the complement: SLX4 is on the minus strand). VCF-style: chr16-3583170-C-T. GRCh37 (hg19) VCF-style: chr16-3633171-C-T.
Other names: c.5080G>A (LRG_503t1); short protein forms A1694T.
Identifiers: ClinVar variation 456331 (VCV000456331.6), dbSNP rs1218491919, ClinGen allele CA394514605.

ClinVar aggregate classification (germline): Uncertain significance (1 of 4 stars; one submission).

Conditions:
Fanconi anemia (FA). Also called: Fanconi's anemia. Identifiers: Orphanet 84, MedGen C0015625, MeSH D005199, MONDO:0019391.

Allele frequency attached by ClinVar (database versions not stated): gnomAD exomes below 0.00001; gnomAD 0.00001; TOPMed 0.00001.
gnomAD v4.1: 6 of 1,614,234 alleles (0.00037%); highest among the groups gnomAD compares: South Asian, 0.0022%; no homozygotes.

Submission:

Labcorp Genetics (formerly Invitae), Labcorp
Classification: Uncertain significance for Fanconi anemia. Last evaluated: 2022-04-04. Review status: criteria provided, single submitter. Criteria: Invitae Variant Classification Sherloc (09022015). Collection method: clinical testing. Allele origin: germline.
Comment: This sequence change replaces alanine, which is neutral and non-polar, with threonine, which is neutral and polar, at codon 1694 of the SLX4 protein (p.Ala1694Thr). This variant is present in population databases (no rsID available, gnomAD 0.003%). This variant has not been reported in the literature in individuals affected with SLX4-related conditions. ClinVar contains an entry for this variant (Variation ID: 456331). Algorithms developed to predict the effect of missense changes on protein structure and function output the following: SIFT: "Tolerated"; PolyPhen-2: "Benign"; Align-GVGD: "Class C0". The threonine amino acid residue is found in multiple mammalian species, which suggests that this missense change does not adversely affect protein function. In summary, the available evidence is currently insufficient to determine the role of this variant in disease. Therefore, it has been classified as a Variant of Uncertain Significance.